The following is an entry in ClinVar:

NM_139279.6(MCFD2):c.17T>G (p.Leu6Arg)

Gene: MCFD2 (multiple coagulation factor deficiency 2, ER cargo receptor complex subunit; minus strand). Cytogenetic location: 2p21.
Variant type: single nucleotide variant.
Coding change: c.17T>G on transcript NM_139279.6 (MANE Select); coding-DNA position 17, T replaced by G.
Protein change: p.Leu6Arg; replaces leucine 6 with arginine.
Molecular consequence: missense variant. On other transcripts: intron variant (3).
Genome position (GRCh38, 1-based): chr2:46,909,155, A>C on the plus strand (T>G on the coding strand, the complement: MCFD2 is on the minus strand). VCF-style: chr2-46909155-A-C. GRCh37 (hg19) VCF-style: chr2-47136294-A-C.
Other names: c.17T>G, p.Leu6Arg (NM_001171506.2, NM_001171507.2, NM_001171508.2); c.93-1186T>G (NM_001171511.3); c.-7-1186T>G (NM_001171510.3, NM_001171509.3); short protein forms L6R.
Identifiers: ClinVar variation 4990311 (VCV004990311.1).

ClinVar aggregate classification (germline): Likely benign (1 of 4 stars; one submission).

Conditions:
MCFD2-related disorder. Also called: MCFD2-related condition.

gnomAD v4.1: 299 of 1,614,124 alleles (0.019%); highest among the groups gnomAD compares: South Asian, 0.22%; 7 homozygotes.

Submission:

PreventionGenetics, part of Exact Sciences
Classification: Likely benign for MCFD2-related condition. Last evaluated: 2026-03-11. Review status: criteria provided, single submitter. Criteria: ACMG Guidelines, 2015. Collection method: clinical testing. Allele origin: germline.
Comment: This variant is classified as likely benign based on ACMG/AMP sequence variant interpretation guidelines (Richards et al. 2015 PMID: 25741868, with internal and published modifications).